The following is an entry in ClinVar:

NM_015215.4(CAMTA1):c.550G>A (p.Ala184Thr)

Gene: CAMTA1 (calmodulin binding transcription activator 1; plus strand). Cytogenetic location: 1p36.23.
Variant type: single nucleotide variant.
Coding change: c.550G>A on transcript NM_015215.4 (MANE Select); coding-DNA position 550, G replaced by A.
Protein change: p.Ala184Thr; replaces alanine 184 with threonine.
Molecular consequence: missense variant.
Genome position (GRCh38, 1-based): chr1:7,640,439, G>A. VCF-style: chr1-7640439-G-A. GRCh37 (hg19) VCF-style: chr1-7700499-G-A.
Other names: p.Ala184Thr; c.460G>A, p.Ala154Thr (NM_001349608.2, NM_001349612.2); c.550G>A, p.Ala184Thr (NM_001349609.2, NM_001349610.2, NM_001410737.1); c.478G>A, p.Ala160Thr (NM_001410738.1); short protein forms A154T, A160T, A184T.
Identifiers: ClinVar variation 3375489 (VCV003375489.2).
Genomic context (GRCh38, chr1:7,640,439, plus strand): 5'-CAGTCTCTGCTCTCCCCACAGAACCCCGACATCGTCCTGGTGCACTACCTGAACGTGCCG[G>A]CCATCGAGGACTGCGGCAAGCCTTGCGGCCCCATCCTCTGCTCCATCAACACCGACAAGA-3'
Protein context (NP_056030.1, residues 174-194): IVLVHYLNVP[Ala184Thr]IEDCGKPCGP

ClinVar aggregate classification (germline): Uncertain significance (1 of 4 stars; one submission).

Conditions:
Cerebellar dysfunction with variable cognitive and behavioral abnormalities (CECBA). Also called: Nonprogressive cerebellar atxia with intellectual disability. Identifiers: Orphanet 314647, MedGen C3553661, MONDO:0013886, OMIM 614756.

gnomAD v4.1: 8 of 1,614,134 alleles (0.0005%); highest among the groups gnomAD compares: South Asian, 0.0088%; no homozygotes.

Submission:

Foundation for Research in Genetics and Endocrinology, FRIGE's Institute of Human Genetics
Classification: Uncertain significance for Cerebellar dysfunction with variable cognitive and behavioral abnormalities. Last evaluated: 2024-11-07. Review status: criteria provided, single submitter. Criteria: ACMG Guidelines, 2015. Collection method: clinical testing. Allele origin: germline. Inheritance: Autosomal dominant inheritance. Affected: yes. Observed: 1 heterozygote.
Comment: A heterozygous variant in exon 7 of the CAMTA1 gene that results in the amino acid substitution of Threonine for Alanine at codon 184 was detected. The observed variant c.550G>A (p.Ala184Thr) has not been reported in the 1000 genomes and has MAF of 0.0005% in the gnomAD databases. In summary, the variant meets our criteria to be classified as variant of uncertain significance.